The following is an entry in ClinVar:

ClinVar aggregate classification (germline): Uncertain significance (1 of 4 stars; one submission).

Conditions:
Cardiomyopathy (CMYO). Also called: Cardiomyopathies. Identifiers: Orphanet 167848, MedGen C0878544, MONDO:0004994, HP:0001638. Inheritance: Various modes of inheritance.

Submission:

Color Diagnostics, LLC DBA Color Health
Classification: Uncertain significance for Cardiomyopathy. Last evaluated: 2019-10-04. Review status: criteria provided, single submitter. Criteria: ACMG Guidelines, 2015. Collection method: clinical testing. Allele origin: germline.
Comment: This variant results in the deletion of 1 amino acid in the RYR2 protein. To our knowledge, functional studies have not been performed for this variant. Splice site prediction tools suggest that this variant may not impact RNA splicing. This variant has not been reported in individuals affected with cardiovascular disorders in the literature. This variant has not been identified in the general population by the Genome Aggregation Database (gnomAD). The available evidence is insufficient to determine the role of this variant in disease conclusively. Therefore, this variant is classified as a Variant of Uncertain Significance.

NM_001035.3(RYR2):c.4010ATG[1] (p.Asp1338del)

Genes: RYR2 (ryanodine receptor 2; plus strand), LOC126806067 (BRD4-independent group 4 enhancer GRCh37_chr1:237753258-237754457; plus strand). Cytogenetic location: 1q43.
Variant type: Microsatellite.
Coding change: c.4010ATG[1] on transcript NM_001035.3 (MANE Select); one copy of the 3-base unit ATG starting at c.4010; the reference has two copies in a row; one copy, 3 bases deleted; also written c.4013_4015del.
Protein change: p.Asp1338del; deletes aspartic acid 1338.
Molecular consequence: inframe deletion.
Genome position (GRCh38, 1-based): chr1:237,590,845-237,590,847, ATG deleted; deleting any 3 consecutive bases within chr1:237,590,842-237,590,847 gives the same sequence; the position shown is the placement nearest the transcript's 3' end. VCF-style (leftmost placement, unchanged base first): chr1-237590841-TATG-T. GRCh37 (hg19) VCF-style: chr1-237754141-TATG-T.
Other names: c.4013_4015del (NM_001035.3); short protein forms D1338del.
Identifiers: ClinVar variation 924947 (VCV000924947.3), dbSNP rs1675076853, ClinGen allele CA1139655548.